The following is an entry in ClinVar:

NM_001999.4(FBN2):c.5195G>T (p.Cys1732Phe)

Gene: FBN2 (fibrillin 2; minus strand). Cytogenetic location: 5q23.3.
Variant type: single nucleotide variant.
Coding change: c.5195G>T on transcript NM_001999.4 (MANE Select); coding-DNA position 5195, G replaced by T.
Protein change: p.Cys1732Phe; replaces cysteine 1732 with phenylalanine.
Molecular consequence: missense variant.
Genome position (GRCh38, 1-based): chr5:128,309,988, C>A on the plus strand (G>T on the coding strand, the complement: FBN2 is on the minus strand). VCF-style: chr5-128309988-C-A. GRCh37 (hg19) VCF-style: chr5-127645680-C-A.
Other names: short protein forms C1732F.
Identifiers: ClinVar variation 4689936 (VCV004689936.1).

ClinVar aggregate classification (germline): Uncertain significance (1 of 4 stars; one submission).

Submission:

GeneDx
Classification: Uncertain significance. Last evaluated: 2025-07-30. Review status: criteria provided, single submitter. Criteria: GeneDx Variant Classification Process June 2021. Collection method: clinical testing. Allele origin: germline. Affected: yes.
Comment: In silico analysis supports that this missense variant has a deleterious effect on protein structure/function; Not observed at significant frequency in large population cohorts (gnomAD); Has not been previously published as pathogenic or benign to our knowledge; This variant is associated with the following publications: (PMID: 19006240, 18767143)